The following is an entry in ClinVar:

ClinVar aggregate classification (germline): Uncertain significance. Review status: criteria provided, multiple submitters, no conflicts (2 of 4 stars). 3 submissions from 3 submitters: Uncertain significance (3). Last evaluated 2025-12-24.

Conditions:
Long QT syndrome (LQTS). Identifiers: MedGen C0023976, MeSH D008133, MONDO:0002442. Disease mechanism: loss of function. Inheritance: Various modes of inheritance.
CACNA1D-related disorder.

Allele frequency attached by ClinVar (database versions not stated): gnomAD 0.00004; gnomAD exomes 0.00004 and 0.00007; TOPMed 0.00004; ESP Exome Variant Server 0.00008; ExAC 0.00013.
gnomAD v4.1: 59 of 1,613,980 alleles (0.0037%); highest among the groups gnomAD compares: Non-Finnish European, 0.0044%; no homozygotes.

Submissions (3):

Petrovsky National Research Centre of Surgery, The Federal Agency for Scientific Organizations
Classification: Uncertain significance for Long QT syndrome. Last evaluated: 2025-12-24. Review status: criteria provided, single submitter. Criteria: ACMG Guidelines, 2015. Collection method: clinical testing. Allele origin: germline. Affected: yes. Observed: 1 variant allele.
Comment: The variant is in The Genome Aggregation Database (gnomAD) v4.1.0 with total 3.656e-05. (Date of access 2025-12-24). In accordance with ACMG (2015) criteria this variant is classified as Uncertain significance with following criteria selected: PM2, BP4.

Labcorp Genetics (formerly Invitae), Labcorp
Classification: Uncertain significance. Last evaluated: 2025-11-27. Review status: criteria provided, single submitter. Criteria: Invitae Variant Classification Sherloc (09022015). Collection method: clinical testing. Allele origin: germline.
Comment: This sequence change replaces arginine, which is basic and polar, with glutamine, which is neutral and polar, at codon 1902 of the CACNA1D protein (p.Arg1902Gln). This variant is present in population databases (rs375782771, gnomAD 0.02%). This variant has not been reported in the literature in individuals affected with CACNA1D-related conditions. ClinVar contains an entry for this variant (Variation ID: 1446412). An algorithm developed to predict the effect of missense changes on protein structure and function outputs the following: PolyPhen-2: "Benign". The glutamine amino acid residue is found in multiple mammalian species, which suggests that this missense change does not adversely affect protein function. In summary, the available evidence is currently insufficient to determine the role of this variant in disease. Therefore, it has been classified as a Variant of Uncertain Significance.

PreventionGenetics, part of Exact Sciences
Classification: Uncertain significance for CACNA1D-related condition. Last evaluated: 2025-11-13. Review status: criteria provided, single submitter. Criteria: ACMG Guidelines, 2015. Collection method: clinical testing. Allele origin: germline.
Comment: The CACNA1D c.5705G>A variant is predicted to result in the amino acid substitution p.Arg1902Gln. To our knowledge, this variant has not been reported in the literature. This variant is reported in 0.016% of alleles in individuals of European (Non-Finnish) descent in gnomAD. At this time, the clinical significance of this variant is uncertain due to the absence of conclusive functional and genetic evidence.

NM_001128840.3(CACNA1D):c.5645G>A (p.Arg1882Gln)

Gene: CACNA1D (calcium voltage-gated channel subunit alpha1 D; plus strand). Cytogenetic location: 3p21.1.
Variant type: single nucleotide variant.
Coding change: c.5645G>A on transcript NM_001128840.3 (MANE Select); coding-DNA position 5645, G replaced by A.
Protein change: p.Arg1882Gln; replaces arginine 1882 with glutamine.
Molecular consequence: missense variant.
Genome position (GRCh38, 1-based): chr3:53,805,042, G>A. VCF-style: chr3-53805042-G-A. GRCh37 (hg19) VCF-style: chr3-53839069-G-A.
Other names: c.5705G>A, p.Arg1902Gln (NM_000720.4); c.5573G>A, p.Arg1858Gln (NM_001128839.3); c.5705G>A (NM_000720.3); short protein forms R1902Q, R1882Q, R1858Q.
Identifiers: ClinVar variation 1446412 (VCV001446412.8), dbSNP rs375782771, ClinGen allele CA2455209.
Genomic context (GRCh38, chr3:53,805,042, plus strand): 5'-GGCAAAACTATGGCTACTACAGCAGATACCCAGGCAGAAACATCGACTCTGAGAGGCCCC[G>A]AGGCTACCATCATCCCCAAGGATTCTTGGAGGACGATGACTCGCCCGTTTGCTATGATTC-3'
Protein context (NP_001122312.1, residues 1872-1892): PGRNIDSERP[Arg1882Gln]GYHHPQGFLE